The following is an entry in ClinVar:

NM_003803.4(MYOM1):c.365G>A (p.Ser122Asn)

Gene: MYOM1 (myomesin 1; minus strand). Cytogenetic location: 18p11.31.
Variant type: single nucleotide variant.
Coding change: c.365G>A on transcript NM_003803.4 (MANE Select); coding-DNA position 365, G replaced by A.
Protein change: p.Ser122Asn; replaces serine 122 with asparagine.
Molecular consequence: missense variant.
Genome position (GRCh38, 1-based): chr18:3,193,884, C>T on the plus strand (G>A on the coding strand, the complement: MYOM1 is on the minus strand). VCF-style: chr18-3193884-C-T. GRCh37 (hg19) VCF-style: chr18-3193882-C-T.
Other names: c.365G>A, p.Ser122Asn (NM_019856.2); short protein forms S122N.
Identifiers: ClinVar variation 1916115 (VCV001916115.5), dbSNP rs2510726576, ClinGen allele CA401717272.
Genomic context (GRCh38, chr18:3,193,884, plus strand): 5'-GAGAAAATGGGTACCATGTAGTCACTGGGCAAATTTTCTTTCTCTTCTCCAGACAGTAGG[C>T]TGTGCTTGGCTCTCTTTGGTTTGGGGCTCAACTTGGATGAATAATCATCTAACAGCAGAC-3'
Protein context (NP_003794.3, residues 112-132): LSPKPKRAKH[Ser122Asn]LLSGEEKENL

ClinVar aggregate classification (germline): Uncertain significance (1 of 4 stars; one submission).

Conditions:
Hypertrophic cardiomyopathy. Also called: HYPERTROPHIC MYOCARDIOPATHY. Identifiers: Orphanet 217569, MedGen C0007194, MeSH D002312, MONDO:0005045, HP:0001639.

Submission:

Labcorp Genetics (formerly Invitae), Labcorp
Classification: Uncertain significance for Hypertrophic cardiomyopathy. Last evaluated: 2022-02-11. Review status: criteria provided, single submitter. Criteria: Invitae Variant Classification Sherloc (09022015). Collection method: clinical testing. Allele origin: germline.
Comment: This variant has not been reported in the literature in individuals affected with MYOM1-related conditions. This sequence change replaces serine, which is neutral and polar, with asparagine, which is neutral and polar, at codon 122 of the MYOM1 protein (p.Ser122Asn). This variant is not present in population databases (gnomAD no frequency). Algorithms developed to predict the effect of missense changes on protein structure and function (SIFT, PolyPhen-2, Align-GVGD) all suggest that this variant is likely to be tolerated. In summary, the available evidence is currently insufficient to determine the role of this variant in disease. Therefore, it has been classified as a Variant of Uncertain Significance.